The following is an entry in ClinVar:

NM_001009944.3(PKD1):c.3732C>T (p.Thr1244=)

Gene: PKD1 (polycystin 1, transient receptor potential channel interacting; minus strand). Cytogenetic location: 16p13.3.
Variant type: single nucleotide variant.
Coding change: c.3732C>T on transcript NM_001009944.3 (MANE Select); coding-DNA position 3732, C replaced by T.
Protein change: p.Thr1244=; no amino-acid change (threonine 1244 retained).
Molecular consequence: synonymous variant.
Genome position (GRCh38, 1-based): chr16:2,111,435, G>A on the plus strand (C>T on the coding strand, the complement: PKD1 is on the minus strand). VCF-style: chr16-2111435-G-A. GRCh37 (hg19) VCF-style: chr16-2161436-G-A.
Other names: c.3732C>T, p.Thr1244= (NM_000296.4).
Identifiers: ClinVar variation 3036099 (VCV003036099.2), dbSNP rs1304736565, ClinGen allele CA493048863.

ClinVar aggregate classification (germline): Likely benign (0 of 4 stars; one submission).

Conditions:
PKD1-related disorder. Also called: PKD1-related condition.

Allele frequency attached by ClinVar (database versions not stated): TOPMed below 0.00001; gnomAD 0.00001.
gnomAD v4.1: 1 of 1,611,806 alleles (0.000062%); highest among the groups gnomAD compares: African/African-American, 0.0013%; no homozygotes.

Submission:

PreventionGenetics, part of Exact Sciences
Classification: Likely benign for PKD1-related condition. Last evaluated: 2021-06-21. Review status: no assertion criteria provided. Collection method: clinical testing. Allele origin: germline.
Comment: This variant is classified as likely benign based on ACMG/AMP sequence variant interpretation guidelines (Richards et al. 2015 PMID: 25741868, with internal and published modifications).